The following is an entry in ClinVar:

NM_003051.4(SLC16A1):c.1412C>G (p.Ala471Gly)

Gene: SLC16A1 (solute carrier family 16 member 1; minus strand). Cytogenetic location: 1p13.2.
Variant type: single nucleotide variant.
Coding change: c.1412C>G on transcript NM_003051.4 (MANE Select); coding-DNA position 1412, C replaced by G.
Protein change: p.Ala471Gly; replaces alanine 471 with glycine.
Molecular consequence: missense variant.
Genome position (GRCh38, 1-based): chr1:112,913,982, G>C on the plus strand (C>G on the coding strand, the complement: SLC16A1 is on the minus strand). VCF-style: chr1-112913982-G-C. GRCh37 (hg19) VCF-style: chr1-113456604-G-C.
Other names: c.1412C>G, p.Ala471Gly (NM_001166496.2); short protein forms A471G.
Identifiers: ClinVar variation 2992764 (VCV002992764.3), dbSNP rs752237118, ClinGen allele CA1011247.

ClinVar aggregate classification (germline): Uncertain significance (1 of 4 stars; one submission).

Allele frequency attached by ClinVar (database versions not stated): gnomAD exomes 0.00001; ExAC 0.00003.
gnomAD v4.1: 11 of 1,614,124 alleles (0.00068%); highest among the groups gnomAD compares: Non-Finnish European, 0.00068%; no homozygotes.

Submission:

Labcorp Genetics (formerly Invitae), Labcorp
Classification: Uncertain significance. Last evaluated: 2023-08-29. Review status: criteria provided, single submitter. Criteria: Invitae Variant Classification Sherloc (09022015). Collection method: clinical testing. Allele origin: germline.
Comment: This variant is present in population databases (rs752237118, gnomAD 0.004%). In summary, the available evidence is currently insufficient to determine the role of this variant in disease. Therefore, it has been classified as a Variant of Uncertain Significance. An algorithm developed to predict the effect of missense changes on protein structure and function (PolyPhen-2) suggests that this variant is likely to be tolerated. This variant has not been reported in the literature in individuals affected with SLC16A1-related conditions. This sequence change replaces alanine, which is neutral and non-polar, with glycine, which is neutral and non-polar, at codon 471 of the SLC16A1 protein (p.Ala471Gly).